The following is an entry in ClinVar:

NM_005334.3(HCFC1):c.3571C>T (p.Pro1191Ser)

Gene: HCFC1 (host cell factor C1; minus strand). Cytogenetic location: Xq28.
Variant type: single nucleotide variant.
Coding change: c.3571C>T on transcript NM_005334.3 (MANE Select); coding-DNA position 3571, C replaced by T.
Protein change: p.Pro1191Ser; replaces proline 1191 with serine.
Molecular consequence: missense variant.
Genome position (GRCh38, 1-based): chrX:153,954,828, G>A on the plus strand (C>T on the coding strand, the complement: HCFC1 is on the minus strand). VCF-style: chrX-153954828-G-A. GRCh37 (hg19) VCF-style: chrX-153220279-G-A.
Other names: c.3571C>T, p.Pro1191Ser (NM_001410705.1); short protein forms P1191S.
Identifiers: ClinVar variation 3696693 (VCV003696693.2).

ClinVar aggregate classification (germline): Uncertain significance (1 of 4 stars; one submission).

Conditions:
Methylmalonic acidemia with homocystinuria, type cblX (MAHCX). Also called: INTELLECTUAL DEVELOPMENTAL DISORDER, X-LINKED 3. Identifiers: Orphanet 369962, MedGen C0796208, MONDO:0010657, OMIM 309541.

gnomAD v4.1: 4 of 1,153,384 alleles (0.00035%); highest among the groups gnomAD compares: Non-Finnish European, 0.00046%; no homozygotes.

Submission:

Labcorp Genetics (formerly Invitae), Labcorp
Classification: Uncertain significance for Methylmalonic acidemia with homocystinuria, type cblX. Last evaluated: 2025-12-11. Review status: criteria provided, single submitter. Criteria: Invitae Variant Classification Sherloc (09022015). Collection method: clinical testing. Allele origin: germline.
Comment: This sequence change replaces proline, which is neutral and non-polar, with serine, which is neutral and polar, at codon 1191 of the HCFC1 protein (p.Pro1191Ser). This variant is not present in population databases (gnomAD no frequency). This variant has not been reported in the literature in individuals affected with HCFC1-related conditions. ClinVar contains an entry for this variant (Variation ID: 3696693). An algorithm developed to predict the effect of missense changes on protein structure and function outputs the following: PolyPhen-2: "Benign". The serine amino acid residue is found in multiple mammalian species, which suggests that this missense change does not adversely affect protein function. In summary, the available evidence is currently insufficient to determine the role of this variant in disease. Therefore, it has been classified as a Variant of Uncertain Significance.